The following is an entry in ClinVar:

NM_000059.4(BRCA2):c.9117+4C>G

Gene: BRCA2 (BRCA2 DNA repair associated; plus strand). Cytogenetic location: 13q13.1.
Variant type: single nucleotide variant.
Coding change: c.9117+4C>G on transcript NM_000059.4 (MANE Select); 4 bases into the intron after coding-DNA position 9117, C replaced by G.
Molecular consequence: intron variant.
Genome position (GRCh38, 1-based): chr13:32,379,917, C>G. VCF-style: chr13-32379917-C-G. GRCh37 (hg19) VCF-style: chr13-32954054-C-G.
Other names: IVS23+4C>G; c.9117+4C>G (NM_001432077.1); c.9066+4C>G (NM_001406720.1); c.9021+4C>G (NM_001406719.1); c.4185+4C>G (NM_001406721.1); c.2700+4C>G (NM_001406722.1).
Identifiers: ClinVar variation 38214 (VCV000038214.9), dbSNP rs397507421, ClinGen allele CA025992.

ClinVar aggregate classification (germline): Uncertain significance. Review status: criteria provided, multiple submitters, no conflicts (2 of 4 stars). 3 submissions from 3 submitters: Uncertain significance (2). 1 of the submissions does not count toward it. Last evaluated 2026-01-21.

Conditions:
Hereditary cancer-predisposing syndrome. Also called: Tumor predisposition; Neoplastic Syndromes, Hereditary; Hereditary neoplastic syndrome; Hereditary Cancer Syndrome. Identifiers: Orphanet 140162, MedGen C0027672, MeSH D009386, MONDO:0015356.
Hereditary breast ovarian cancer syndrome. Also called: Hereditary breast and ovarian cancer; Hereditary breast and ovarian cancer syndrome (HBOC); Hereditary breast and/or ovarian cancer syndrome; Breast and ovarian cancer; Hereditary breast and ovarian cancer syndrome; BRCA1- and BRCA2-Associated Hereditary Breast and Ovarian Cancer. Identifiers: Orphanet 145, MedGen C0677776, MeSH D061325, MONDO:0003582. Disease mechanism: loss of function.
Breast-ovarian cancer, familial, susceptibility to, 2 (BROVCA2). Also called: BRCA2 Hereditary Breast and Ovarian Cancer. Identifiers: Orphanet 145, MedGen C2675520, MONDO:0012933, OMIM 612555. Disease mechanism: loss of function.

gnomAD v4.1: 1 of 1,613,122 alleles (0.000062%); highest among the groups gnomAD compares: Non-Finnish European, 0.000085%; no homozygotes.

Submissions (3):

Labcorp Genetics (formerly Invitae), Labcorp
Classification: Uncertain significance for Hereditary breast ovarian cancer syndrome. Last evaluated: 2026-01-21. Review status: criteria provided, single submitter. Criteria: Invitae Variant Classification Sherloc (09022015). Collection method: clinical testing. Allele origin: germline.
Comment: This sequence change falls in intron 23 of the BRCA2 gene. It does not directly change the encoded amino acid sequence of the BRCA2 protein. It affects a nucleotide within the consensus splice site. This variant is not present in population databases (gnomAD no frequency). This variant has not been reported in the literature in individuals affected with BRCA2-related conditions. ClinVar contains an entry for this variant (Variation ID: 38214). Variants that disrupt the consensus splice site are a relatively common cause of aberrant splicing (PMID: 17576681, 9536098). RNA analysis performed to evaluate the impact of this variant on mRNA splicing indicates it does not significantly alter splicing (internal data). In summary, the available evidence is currently insufficient to determine the role of this variant in disease. Therefore, it has been classified as a Variant of Uncertain Significance.

Ambry Genetics
Classification: Uncertain significance for Hereditary cancer-predisposing syndrome. Last evaluated: 2025-04-17. Review status: criteria provided, single submitter. Criteria: Ambry Variant Classification Scheme 2023. Collection method: clinical testing. Allele origin: germline.
Comment: The c.9117+4C>G intronic variant results from a C to G substitution 4 nucleotides after coding exon 22 in the BRCA2 gene. This nucleotide position is not well conserved in available vertebrate species. In silico splice site analysis predicts that this alteration may weaken the native splice donor site. Based on the available evidence, the clinical significance of this variant remains unclear.

Sharing Clinical Reports Project (SCRP)
Classification: Uncertain significance for Breast-ovarian cancer, familial 2. Last evaluated: 2006-07-31. Review status: no assertion criteria provided. Collection method: clinical testing. Allele origin: germline. Not counted in ClinVar's aggregate classification.

Literature cited by the submitters: PubMed 17576681 (cited by Labcorp Genetics (formerly Invitae), Labcorp); PubMed 9536098 (cited by Labcorp Genetics (formerly Invitae), Labcorp).